The following is an entry in ClinVar:

NM_004260.4(RECQL4):c.140C>G (p.Thr47Ser)

Genes: RECQL4 (RecQ like helicase 4; minus strand), LOC130001411 (ATAC-STARR-seq lymphoblastoid silent region 19699; plus strand). Cytogenetic location: 8q24.3.
Variant type: single nucleotide variant.
Coding change: c.140C>G on transcript NM_004260.4 (MANE Select); coding-DNA position 140, C replaced by G.
Protein change: p.Thr47Ser; replaces threonine 47 with serine.
Molecular consequence: missense variant. On other transcripts: 5 prime UTR variant (16), non-coding transcript variant (3), intron variant (2).
Genome position (GRCh38, 1-based): chr8:144,517,487, G>C on the plus strand (C>G on the coding strand, the complement: RECQL4 is on the minus strand). VCF-style: chr8-144517487-G-C. GRCh37 (hg19) VCF-style: chr8-145742871-G-C.
Other names: c.140C>G, p.Thr47Ser (NM_001413017.1, NM_001413018.1, NM_001413019.1 and 5 more transcripts); c.-581C>G (NM_001413021.1); c.-932C>G (NM_001413022.1, NM_001413023.1, NM_001413037.1 and 2 more transcripts); c.-829C>G (NM_001413024.1, NM_001413035.1); c.-994C>G (NM_001413027.1, NM_001413030.1, NM_001413031.1 and 1 more transcripts); c.-657C>G (NM_001413028.1); c.-891C>G (NM_001413032.1); c.-836C>G (NM_001413034.1); and 3 more; short protein forms T47S.
Identifiers: ClinVar variation 4863193 (VCV004863193.1).

ClinVar aggregate classification (germline): Uncertain significance (1 of 4 stars; one submission).

Conditions:
Inborn genetic diseases. Identifiers: MedGen C0950123, MeSH D030342.

Submission:

Ambry Genetics
Classification: Uncertain significance for Inborn genetic diseases. Last evaluated: 2026-05-17. Review status: criteria provided, single submitter. Criteria: Ambry Variant Classification Scheme 2023. Collection method: clinical testing. Allele origin: germline.
Comment: The p.T47S variant (also known as c.140C>G), located in coding exon 3 of the RECQL4 gene, results from a C to G substitution at nucleotide position 140. The threonine at codon 47 is replaced by serine, an amino acid with similar properties. This amino acid position is conserved. In addition, this alteration is predicted to be tolerated by in silico analysis. Based on the available evidence, the clinical significance of this variant remains unclear.